The following is an entry in ClinVar:

NM_199420.4(POLQ):c.1913C>A (p.Ala638Glu)

Gene: POLQ (DNA polymerase theta; minus strand). Cytogenetic location: 3q13.33.
Variant type: single nucleotide variant.
Coding change: c.1913C>A on transcript NM_199420.4 (MANE Select); coding-DNA position 1913, C replaced by A.
Protein change: p.Ala638Glu; replaces alanine 638 with glutamic acid.
Molecular consequence: missense variant.
Genome position (GRCh38, 1-based): chr3:121,509,607, G>T on the plus strand (C>A on the coding strand, the complement: POLQ is on the minus strand). VCF-style: chr3-121509607-G-T. GRCh37 (hg19) VCF-style: chr3-121228454-G-T.
Other names: short protein forms A638E.
Identifiers: ClinVar variation 3229864 (VCV003229864.1), dbSNP rs2546801996, ClinGen allele CA354113441.

ClinVar aggregate classification (germline): Uncertain significance (1 of 4 stars; one submission).

Submission:

Ambry Genetics
Classification: Uncertain significance. Last evaluated: 2023-10-02. Review status: criteria provided, single submitter. Criteria: Ambry Variant Classification Scheme 2023. Collection method: clinical testing. Allele origin: germline.
Comment: The p.A638E variant (also known as c.1913C>A), located in coding exon 12 of the POLQ gene, results from a C to A substitution at nucleotide position 1913. The alanine at codon 638 is replaced by glutamic acid, an amino acid with dissimilar properties. This amino acid position is conserved. In addition, the in silico prediction for this alteration is inconclusive. Since supporting evidence is limited at this time, the clinical significance of this alteration remains unclear.